The following is an entry in ClinVar:

ClinVar aggregate classification (germline): Uncertain significance (1 of 4 stars; one submission).

Submission:

Labcorp Genetics (formerly Invitae), Labcorp
Classification: Uncertain significance. Last evaluated: 2022-07-24. Review status: criteria provided, single submitter. Criteria: Invitae Variant Classification Sherloc (09022015). Collection method: clinical testing. Allele origin: germline.
Comment: This variant has not been reported in the literature in individuals affected with COL7A1-related conditions. In summary, the available evidence is currently insufficient to determine the role of this variant in disease. Therefore, it has been classified as a Variant of Uncertain Significance. Algorithms developed to predict the effect of missense changes on protein structure and function are either unavailable or do not agree on the potential impact of this missense change (SIFT: "Deleterious"; PolyPhen-2: "Benign"; Align-GVGD: "Class C0"). This variant is not present in population databases (gnomAD no frequency). This sequence change replaces valine, which is neutral and non-polar, with alanine, which is neutral and non-polar, at codon 2238 of the COL7A1 protein (p.Val2238Ala).

NM_000094.4(COL7A1):c.6713T>C (p.Val2238Ala)

Gene: COL7A1 (collagen type VII alpha 1 chain; minus strand). Cytogenetic location: 3p21.31.
Variant type: single nucleotide variant.
Coding change: c.6713T>C on transcript NM_000094.4 (MANE Select); coding-DNA position 6713, T replaced by C.
Protein change: p.Val2238Ala; replaces valine 2238 with alanine.
Molecular consequence: missense variant.
Genome position (GRCh38, 1-based): chr3:48,573,175, A>G on the plus strand (T>C on the coding strand, the complement: COL7A1 is on the minus strand). VCF-style: chr3-48573175-A-G. GRCh37 (hg19) VCF-style: chr3-48610608-A-G.
Other names: short protein forms V2238A.
Identifiers: ClinVar variation 1713663 (VCV001713663.5), dbSNP rs2530917928, ClinGen allele CA352655297.